The following is an entry in ClinVar:

NM_080680.3(COL11A2):c.3258+60C>G

Gene: COL11A2 (collagen type XI alpha 2 chain; minus strand). Cytogenetic location: 6p21.32.
Variant type: single nucleotide variant.
Coding change: c.3258+60C>G on transcript NM_080680.3 (MANE Select); 60 bases into the intron after coding-DNA position 3258, C replaced by G.
Molecular consequence: intron variant.
Genome position (GRCh38, 1-based): chr6:33,171,407, G>C on the plus strand (C>G on the coding strand, the complement: COL11A2 is on the minus strand). VCF-style: chr6-33171407-G-C. GRCh37 (hg19) VCF-style: chr6-33139184-G-C.
Other names: c.2937+60C>G (NM_080679.3); c.3000+60C>G (NM_080681.3).
Identifiers: ClinVar variation 675906 (VCV000675906.1), dbSNP rs73741524, ClinGen allele CA12441958.

ClinVar aggregate classification (germline): Benign (1 of 4 stars; one submission).

Allele frequency attached by ClinVar (database versions not stated): gnomAD exomes 0.02813; gnomAD 0.03927 and 0.04034; 1000 Genomes Project 0.04153; 1000 Genomes Project 30x 0.04185; TOPMed 0.04611.

Submission:

GeneDx
Classification: Benign. Last evaluated: 2018-06-18. Review status: criteria provided, single submitter. Criteria: GeneDx Variant Classification (06012015). Collection method: clinical testing. Allele origin: germline. Affected: yes.
Comment: This variant is considered likely benign or benign based on one or more of the following criteria: it is a conservative change, it occurs at a poorly conserved position in the protein, it is predicted to be benign by multiple in silico algorithms, and/or has population frequency not consistent with disease.